The following is an entry in ClinVar:

NM_000428.3(LTBP2):c.568G>A (p.Val190Ile)

Gene: LTBP2 (latent transforming growth factor beta binding protein 2; minus strand). Cytogenetic location: 14q24.3.
Variant type: single nucleotide variant.
Coding change: c.568G>A on transcript NM_000428.3 (MANE Select); coding-DNA position 568, G replaced by A.
Protein change: p.Val190Ile; replaces valine 190 with isoleucine.
Molecular consequence: missense variant.
Genome position (GRCh38, 1-based): chr14:74,586,116, C>T on the plus strand (G>A on the coding strand, the complement: LTBP2 is on the minus strand). VCF-style: chr14-74586116-C-T. GRCh37 (hg19) VCF-style: chr14-75052819-C-T.
Other names: short protein forms V190I.
Identifiers: ClinVar variation 886932 (VCV000886932.7), dbSNP rs558742251, ClinGen allele CA7270138.
Genomic context (GRCh38, chr14:74,586,116, plus strand): 5'-GGCAGACACAGAGCTGCGGGCGGCTGCAGGAGCCCCGGTTCTGGCACGGCGGCTCGCAAA[C>T]GGCTGAGGACACAGGGAGAGAGGTGACAGCAGTGGCCATAGGGCACTGAGACCACAGCTG-3'
Protein context (NP_000419.1, residues 180-200): ANSTNHCIKP[Val190Ile]CEPPCQNRGS

ClinVar aggregate classification (germline): Uncertain significance. Review status: criteria provided, multiple submitters, no conflicts (2 of 4 stars). 4 submissions from 3 submitters: Uncertain significance (4). Last evaluated 2024-12-11.

Conditions:
Inborn genetic diseases. Identifiers: MedGen C0950123, MeSH D030342.
Glaucoma 3, primary congenital, D. Identifiers: Orphanet 98976, MedGen C2751316, MONDO:0013122, OMIM 613086.
Weill-Marchesani syndrome. Also called: WM Syndrome; Mesodermal dysmorphodystrophy congenital. Identifiers: Orphanet 3449, MedGen C0265313, MONDO:0018096.

Allele frequency attached by ClinVar (database versions not stated): 1000 Genomes Project 30x 0.00016; TOPMed 0.00018; gnomAD 0.00019; 1000 Genomes Project 0.00020; ExAC 0.00024.
gnomAD v4.1: 215 of 1,592,288 alleles (0.014%); highest among the groups gnomAD compares: Admixed American, 0.053%; no homozygotes.

Submissions (4):

Ambry Genetics
Classification: Uncertain significance for Inborn genetic diseases. Last evaluated: 2024-12-11. Review status: criteria provided, single submitter. Criteria: Ambry Variant Classification Scheme 2023. Collection method: clinical testing. Allele origin: germline.

Labcorp Genetics (formerly Invitae), Labcorp
Classification: Uncertain significance. Last evaluated: 2022-08-21. Review status: criteria provided, single submitter. Criteria: Invitae Variant Classification Sherloc (09022015). Collection method: clinical testing. Allele origin: germline.
Comment: This sequence change replaces valine, which is neutral and non-polar, with isoleucine, which is neutral and non-polar, at codon 190 of the LTBP2 protein (p.Val190Ile). This variant is present in population databases (rs558742251, gnomAD 0.08%). This variant has not been reported in the literature in individuals affected with LTBP2-related conditions. ClinVar contains an entry for this variant (Variation ID: 886932). Algorithms developed to predict the effect of missense changes on protein structure and function (SIFT, PolyPhen-2, Align-GVGD) all suggest that this variant is likely to be disruptive. In summary, the available evidence is currently insufficient to determine the role of this variant in disease. Therefore, it has been classified as a Variant of Uncertain Significance.

Illumina Laboratory Services, Illumina
Classification: Uncertain significance for Weill-Marchesani syndrome. Last evaluated: 2018-01-12. Review status: criteria provided, single submitter. Criteria: ICSL Variant Classification Criteria 13 December 2019. Collection method: clinical testing. Allele origin: germline.

Illumina Laboratory Services, Illumina
Classification: Uncertain significance for Glaucoma 3, primary congenital, D. Last evaluated: 2018-01-12. Review status: criteria provided, single submitter. Criteria: ICSL Variant Classification Criteria 13 December 2019. Collection method: clinical testing. Allele origin: germline.